The following is an entry in ClinVar:

NM_000548.5(TSC2):c.3645G>A (p.Pro1215=)

Gene: TSC2 (TSC complex subunit 2; plus strand). Cytogenetic location: 16p13.3.
Variant type: single nucleotide variant.
Coding change: c.3645G>A on transcript NM_000548.5 (MANE Select); coding-DNA position 3645, G replaced by A.
Protein change: p.Pro1215=; no amino-acid change (proline 1215 retained).
Molecular consequence: synonymous variant.
Genome position (GRCh38, 1-based): chr16:2,081,629, G>A. VCF-style: chr16-2081629-G-A. GRCh37 (hg19) VCF-style: chr16-2131630-G-A.
Other names: c.3513G>A, p.Pro1171= (NM_001077183.3, NM_001370404.1); c.3645G>A, p.Pro1215= (NM_001114382.3); c.3405G>A, p.Pro1135= (NM_001318827.2); c.3369G>A, p.Pro1123= (NM_001318829.2); c.2913G>A, p.Pro971= (NM_001318831.2); c.3546G>A, p.Pro1182= (NM_001318832.2); c.3516G>A, p.Pro1172= (NM_001363528.2, NM_001370405.1, NM_021055.3); c.3645G>A (NM_000548.4).
Identifiers: ClinVar variation 413676 (VCV000413676.24), dbSNP rs758114962, ClinGen allele CA047950.
Genomic context (GRCh38, chr16:2,081,629, plus strand): 5'-GGCCAAAGGTGCTGCCGCCTCCGCAGGGAACACCAGCTGGCTGATGAGCCTGGAGAACCC[G>A]CTCAGCCCTTTCTCCTCGGACATCAACAACATGCCCCTGCAGGAGCTGTCTAACGCCCTC-3'
Protein context (NP_000539.2, residues 1205-1225): NTSWLMSLEN[Pro1215=]LSPFSSDINN

ClinVar aggregate classification (germline): Benign/Likely benign. Review status: criteria provided, multiple submitters, no conflicts (2 of 4 stars). 9 submissions from 9 submitters: Benign (2); Likely benign (6). 1 of the submissions does not count toward it. Last evaluated 2025-12-23.

Conditions:
TSC2-related disorder. Also called: TSC2-related condition; TSC2-Related Disorders.
Hereditary cancer-predisposing syndrome. Also called: Tumor predisposition; Neoplastic Syndromes, Hereditary; Hereditary Cancer Syndrome; Hereditary neoplastic syndrome. Identifiers: Orphanet 140162, MedGen C0027672, MeSH D009386, MONDO:0015356.
Tuberous sclerosis syndrome (TSC). Also called: Tuberous Sclerosis Complex; Tuberous sclerosis. Identifiers: Orphanet 805, MedGen C0041341, MONDO:0001734.
Tuberous sclerosis 2 (TSC2). Identifiers: Orphanet 805, MedGen C1860707, MONDO:0013199, OMIM 613254.

Allele frequency attached by ClinVar (database versions not stated): ExAC 0.00001; TOPMed 0.00002.
gnomAD v4.1: 20 of 1,612,790 alleles (0.0012%); highest among the groups gnomAD compares: East Asian, 0.0022%; no homozygotes.

Submissions (9):

Labcorp Genetics (formerly Invitae), Labcorp
Classification: Likely benign for Tuberous sclerosis 2. Last evaluated: 2025-12-23. Review status: criteria provided, single submitter. Criteria: Invitae Variant Classification Sherloc (09022015). Collection method: clinical testing. Allele origin: germline.

Myriad Genetics, Inc.
Classification: Benign for Tuberous sclerosis 2. Last evaluated: 2025-05-30. Review status: criteria provided, single submitter. Criteria: Myriad Autosomal Dominant, Autosomal Recessive and X-Linked Classification Criteria (2023). Collection method: clinical testing. Allele origin: unknown.
Comment: This variant is considered benign. This variant is a silent/synonymous amino acid change and it is not expected to impact splicing.

Laboratory of Genetics, Children's Clinical University Hospital Latvia
Classification: Likely benign. Last evaluated: 2025-02-16. Review status: criteria provided, single submitter. Criteria: ACMG Guidelines, 2015. Collection method: clinical testing. Allele origin: germline. Affected: yes.

All of Us Research Program, National Institutes of Health
Classification: Likely benign for Tuberous sclerosis syndrome. Last evaluated: 2023-12-13. Review status: criteria provided, single submitter. Criteria: ACMG Guidelines, 2015. Collection method: clinical testing. Allele origin: germline. Inheritance: Autosomal dominant inheritance. Observed: 7 variant alleles, 7 heterozygotes.
Comment: This study involves interpretation of variants in research participants for the purpose of population health screening. Participant phenotype was not available at the time of variant classification. Additional details can be found in publication PMID: 35346344, PMCID: PMC8962531

Color Diagnostics, LLC DBA Color Health
Classification: Likely benign for Tuberous sclerosis syndrome. Last evaluated: 2022-09-20. Review status: criteria provided, single submitter. Criteria: ACMG Guidelines, 2015. Collection method: clinical testing. Allele origin: germline.

Genome-Nilou Lab
Classification: Benign for Tuberous sclerosis 2. Last evaluated: 2021-11-07. Review status: criteria provided, single submitter. Criteria: ACMG Guidelines, 2015. Collection method: clinical testing. Allele origin: germline. Affected: no.

Sema4
Classification: Likely benign for Hereditary cancer-predisposing syndrome. Last evaluated: 2021-04-20. Review status: criteria provided, single submitter. Criteria: Sema4 Curation Guidelines. Collection method: curation. Allele origin: germline.

Ambry Genetics
Classification: Likely benign for Hereditary cancer-predisposing syndrome. Last evaluated: 2015-05-16. Review status: criteria provided, single submitter. Criteria: Ambry Variant Classification Scheme 2023. Collection method: clinical testing. Allele origin: germline.

PreventionGenetics, part of Exact Sciences
Classification: Likely benign for TSC2-related condition. Last evaluated: 2019-12-04. Review status: no assertion criteria provided. Collection method: clinical testing. Allele origin: germline. Not counted in ClinVar's aggregate classification.
Comment: This variant is classified as likely benign based on ACMG/AMP sequence variant interpretation guidelines (Richards et al. 2015 PMID: 25741868, with internal and published modifications).